The following is an entry in ClinVar:

ClinVar aggregate classification (germline): Uncertain significance. Review status: criteria provided, multiple submitters, no conflicts (2 of 4 stars). 7 submissions from 7 submitters: Uncertain significance (6). 1 of the submissions does not count toward it. Last evaluated 2026-03-03.

Conditions:
MYL2-related disorder. Also called: MYL2-related condition; MYL2-related disease; MYL2-related disorders.
Cardiovascular phenotype. Identifiers: MedGen CN230736.
Hypertrophic cardiomyopathy 10. Also called: MYL2-Related Familial Hypertrophic Cardiomyopathy; CARDIOMYOPATHY, HYPERTROPHIC, MID-LEFT VENTRICULAR CHAMBER TYPE, 2. Identifiers: MedGen C1834460, MONDO:0012112, OMIM 608758.
Hypertrophic cardiomyopathy. Also called: HYPERTROPHIC MYOCARDIOPATHY. Identifiers: Orphanet 217569, MedGen C0007194, MeSH D002312, MONDO:0005045, HP:0001639.
Cardiomyopathy (CMYO). Also called: Cardiomyopathies. Identifiers: Orphanet 167848, MedGen C0878544, MONDO:0004994, HP:0001638. Inheritance: Various modes of inheritance.

gnomAD v4.1: 38 of 1,612,348 alleles (0.0024%); highest among the groups gnomAD compares: Non-Finnish European, 0.003%; no homozygotes.

Submissions (7):

Women's Health and Genetics/Laboratory Corporation of America, LabCorp
Classification: Uncertain significance. Last evaluated: 2026-03-03. Review status: criteria provided, single submitter. Criteria: LabCorp Variant Classification Summary - May 2015. Collection method: clinical testing. Allele origin: germline.
Comment: Variant summary: MYL2 c.172C>T (p.Arg58X) results in a premature termination codon, predicted to cause a truncation of the encoded protein or absence of the protein due to nonsense mediated decay, however current evidence is not sufficient to establish loss of function as a mechanism for disease. Several computational tools predict a significant impact on normal splicing: Three predict the variant creates a 5' donor site. One predicts the variant strengthens a cryptic 5' donor site. One predicts the variant no significant impact on splicing. However, these predictions have yet to be confirmed by functional studies. The variant allele was found at a frequency of 1.6e-05 in 251426 control chromosomes. The available data on variant occurrences in the general population are insufficient to allow any conclusion about variant significance. c.172C>T has been observed in the presumed compound heterozygous state in at least 1 individual(s) affected with isolated cardiac features of Myopathy, Myofibrillar, 12, Infantile-Onset, With Cardiomyopathy (example, Stava_2022, Berge_2014) however the absence of reported syndromic features was considered weak evidence for causality. The variant was further described in 6 individuals from a Norwegian HCM cohort, without any details on zygosity or segregation (Dejgaard_2017). These report(s) do not provide unequivocal conclusions about association of the variant with MYL2-related conditions. To our knowledge, no experimental evidence demonstrating an impact on protein function has been reported. The following publications have been ascertained in the context of this evaluation (PMID: 33563892, 36143288, 29687901, 35653365, 24111713, 28971120). ClinVar contains an entry for this variant (Variation ID: 1405120). Based on the evidence outlined above, the variant was classified as uncertain significance.

Ambry Genetics
Classification: Uncertain significance for Cardiovascular phenotype. Last evaluated: 2025-11-14. Review status: criteria provided, single submitter. Criteria: Ambry Variant Classification Scheme 2023. Collection method: clinical testing. Allele origin: germline.
Comment: The p.R58* variant (also known as c.172C>T), located in coding exon 4 of the MYL2 gene, results from a C to T substitution at nucleotide position 172. This changes the amino acid from an arginine to a stop codon within coding exon 4. This variant has been identified in the homozygous state and/or in conjunction with other MYL2 variant(s) in individual(s) with features consistent with hypertrophic cardiomyopathy (HCM) (Berge KE et al. Clin Genet, 2014 Oct;86:355-60). This alteration is expected to result in loss of function by premature protein truncation or nonsense-mediated mRNA decay. Although biallelic loss of function of MYL2 has been associated with autosomal recessive MYL2-related myofibrillar myopathy with cardiomyopathy, haploinsufficiency of MYL2 has not been established as a mechanism of disease for autosomal dominant MYL2-related cardiomyopathy. Based on the supporting evidence, this variant is expected to be causative of autosomal recessive MYL2-related myofibrillar myopathy with cardiomyopathy when present along with a second pathogenic variant on the other allele; however, its clinical significance for autosomal dominant MYL2-related cardiomyopathy is unclear.

Color Diagnostics, LLC DBA Color Health
Classification: Uncertain significance for Cardiomyopathy. Last evaluated: 2025-09-22. Review status: criteria provided, single submitter. Criteria: ACMG Guidelines, 2015. Collection method: clinical testing. Allele origin: germline.
Comment: This variant changes 1 nucleotide in exon 4 of the MYL2 gene, creating a premature translation stop signal. This variant is expected to result in an absent or non-functional protein product. This variant has been reported in several individuals affected with hypertrophic cardiomyopathy (PMID: 24111713, 28971120). One of these individuals carried a second truncation variant in the same gene (PMID: 24111713). This variant has been identified in 4/251426 chromosomes in the general population by the Genome Aggregation Database (gnomAD). The role of loss-of-function MYL2 truncation variants in autosomal dominant cardiovascular disorders is not clearly understood. The available evidence is insufficient to determine the role of this variant in disease conclusively. Therefore, this variant is classified as a Variant of Uncertain Significance.

Labcorp Genetics (formerly Invitae), Labcorp
Classification: Uncertain significance for Hypertrophic cardiomyopathy 10. Last evaluated: 2025-07-21. Review status: criteria provided, single submitter. Criteria: Invitae Variant Classification Sherloc (09022015). Collection method: clinical testing. Allele origin: germline.
Comment: This sequence change creates a premature translational stop signal (p.Arg58*) in the MYL2 gene. It is expected to result in an absent or disrupted protein product. However, the current clinical and genetic evidence is not sufficient to establish whether loss-of-function variants in MYL2 cause disease. This variant is present in population databases (rs756671869, gnomAD 0.003%). This premature translational stop signal has been observed in individual(s) with MYL2-related conditions (PMID: 24111713, 28971120, 35653365). ClinVar contains an entry for this variant (Variation ID: 1405120). Algorithms developed to predict the effect of sequence changes on RNA splicing suggest that this variant may disrupt the consensus splice site. In summary, the available evidence is currently insufficient to determine the role of this variant in disease. Therefore, it has been classified as a Variant of Uncertain Significance.

GeneDx
Classification: Uncertain significance. Last evaluated: 2025-02-19. Review status: criteria provided, single submitter. Criteria: GeneDx Variant Classification Process June 2021. Collection method: clinical testing. Allele origin: germline. Affected: yes.
Comment: Reported in association with cardiomyopathy; however, detailed clinical information was not provided (PMID: 24111713, 35653365); Nonsense variant predicted to result in protein truncation or nonsense mediated decay in a gene or region of a gene for which loss of function is not a well-established mechanism of disease; Not observed at significant frequency in large population cohorts (gnomAD); This variant is associated with the following publications: (PMID: 24111713, 35653365)

All of Us Research Program, National Institutes of Health
Classification: Uncertain significance for Hypertrophic cardiomyopathy. Last evaluated: 2024-05-09. Review status: criteria provided, single submitter. Criteria: ACMG Guidelines, 2015. Collection method: clinical testing. Allele origin: germline. Inheritance: Autosomal dominant inheritance. Observed: 3 variant alleles, 3 heterozygotes.
Comment: This variant changes 1 nucleotide in exon 4 of the MYL2 gene, creating a premature translation stop signal. This variant is expected to result in an absent or non-functional protein product. To our knowledge, functional studies have not been reported for this variant. This variant has been reported in a few individuals affected with hypertrophic cardiomyopathy (PMID 24111713, 28971120). One of these carriers, who was an infant, was compound heterozygous with another truncation variant (PMID: 28971120). This variant has been identified in 4/251426 chromosomes in the general population by the Genome Aggregation Database (gnomAD). The role of loss-of-function MYL2 truncation and splice variants in autosomal dominant cardiovascular disorders is not clearly established. The available evidence is insufficient to determine the role of this variant in disease conclusively. Therefore, this variant is classified as a Variant of Uncertain Significance.

This study involves interpretation of variants in research participants for the purpose of population health screening. Participant phenotype was not available at the time of variant classification. Additional details can be found in publication PMID: 35346344, PMCID: PMC8962531

PreventionGenetics, part of Exact Sciences
Classification: Uncertain significance for MYL2-related condition. Last evaluated: 2023-12-10. Review status: no assertion criteria provided. Collection method: clinical testing. Allele origin: germline. Not counted in ClinVar's aggregate classification.
Comment: The MYL2 c.172C>T variant is predicted to result in premature protein termination (p.Arg58*). This variant was reported in an individual with hypertrophic cardiomyopathy (Berge et al 2014. PubMed ID: 24111713). This variant has not been reported in a large population database, indicating this variant is rare. Although we suspect that this variant may be pathogenic, at this time, the clinical significance of this variant is uncertain due to the absence of conclusive functional and genetic evidence.

Literature cited by the submitters: PubMed 24111713 (cited by 4 submitters); PubMed 35653365 (cited by Women's Health and Genetics/Laboratory Corporation of America, LabCorp and Labcorp Genetics (formerly Invitae), Labcorp); PubMed 33563892 (cited by Women's Health and Genetics/Laboratory Corporation of America, LabCorp); PubMed 36143288 (cited by Women's Health and Genetics/Laboratory Corporation of America, LabCorp); PubMed 29687901 (cited by Women's Health and Genetics/Laboratory Corporation of America, LabCorp); PubMed 28971120 (cited by 5 submitters).

NM_000432.4(MYL2):c.172C>T (p.Arg58Ter)

Gene: MYL2 (myosin light chain 2; minus strand). Cytogenetic location: 12q24.11.
Variant type: single nucleotide variant.
Coding change: c.172C>T on transcript NM_000432.4 (MANE Select); coding-DNA position 172, C replaced by T.
Protein change: p.Arg58Ter; replaces arginine 58 with a stop codon.
Molecular consequence: nonsense.
Genome position (GRCh38, 1-based): chr12:110,914,288, G>A on the plus strand (C>T on the coding strand, the complement: MYL2 is on the minus strand). VCF-style: chr12-110914288-G-A. GRCh37 (hg19) VCF-style: chr12-111352092-G-A.
Other names: c.172C>T (NM_000432.3); short protein forms R58*.
Identifiers: ClinVar variation 1405120 (VCV001405120.13), dbSNP rs756671869, ClinGen allele CA040649.